The following is an entry in ClinVar:

ClinVar aggregate classification (germline): Uncertain significance (1 of 4 stars; one submission).

Conditions:
Distal myopathy with posterior leg and anterior hand involvement. Also called: WILLIAMS DISTAL MYOPATHY. Identifiers: Orphanet 63273, MedGen C3279722, MONDO:0013550, OMIM 614065.
Myofibrillar myopathy 5. Also called: Filaminopathy (type); FILAMINOPATHY, AUTOSOMAL DOMINANT. Identifiers: Orphanet 171445, MedGen C1836050, MONDO:0012289, OMIM 609524.
Hypertrophic cardiomyopathy 26. Also called: Cardiomyopathy, familial hypertrophic, 26. Identifiers: Orphanet 75249, MedGen C4310749, MONDO:0014883, OMIM 617047.

Allele frequency attached by ClinVar (database versions not stated): ExAC 0.00001.
gnomAD v4.1: 1 of 1,612,654 alleles (0.000062%); no homozygotes.

Submission:

Labcorp Genetics (formerly Invitae), Labcorp
Classification: Uncertain significance for Distal myopathy with posterior leg and anterior hand involvement; Myofibrillar myopathy 5; Hypertrophic cardiomyopathy 26. Last evaluated: 2025-04-28. Review status: criteria provided, single submitter. Criteria: Invitae Variant Classification Sherloc (09022015). Collection method: clinical testing. Allele origin: germline.
Comment: This sequence change replaces glycine, which is neutral and non-polar, with serine, which is neutral and polar, at codon 13 of the FLNC protein (p.Gly13Ser). This variant is not present in population databases (gnomAD no frequency). This variant has not been reported in the literature in individuals affected with FLNC-related conditions. ClinVar contains an entry for this variant (Variation ID: 582980). An algorithm developed to predict the effect of missense changes on protein structure and function (PolyPhen-2) suggests that this variant is likely to be tolerated. In summary, the available evidence is currently insufficient to determine the role of this variant in disease. Therefore, it has been classified as a Variant of Uncertain Significance.

NM_001458.5(FLNC):c.37G>A (p.Gly13Ser)

Gene: FLNC (filamin C; plus strand). Cytogenetic location: 7q32.1.
Variant type: single nucleotide variant.
Coding change: c.37G>A on transcript NM_001458.5 (MANE Select); coding-DNA position 37, G replaced by A.
Protein change: p.Gly13Ser; replaces glycine 13 with serine.
Molecular consequence: missense variant.
Genome position (GRCh38, 1-based): chr7:128,830,674, G>A. VCF-style: chr7-128830674-G-A. GRCh37 (hg19) VCF-style: chr7-128470728-G-A.
Other names: c.37G>A, p.Gly13Ser (NM_001127487.2); short protein forms G13S.
Identifiers: ClinVar variation 582980 (VCV000582980.10), dbSNP rs760318519, ClinGen allele CA4473954.
Genomic context (GRCh38, chr7:128,830,674, plus strand): 5'-GCCGCACCCCCAGCCCGCGCCAGCATGATGAACAACAGCGGCTACTCAGACGCCGGCCTC[G>A]GCCTGGGCGATGAGACAGACGAGATGCCGTCCACGGAGAAGGACCTGGCGGAGGACGCGC-3'
Protein context (NP_001449.3, residues 3-23): NNSGYSDAGL[Gly13Ser]LGDETDEMPS